The following is an entry in ClinVar:

ClinVar aggregate classification (germline): Uncertain significance (1 of 4 stars; one submission).

Conditions:
Hyperekplexia 3 (HKPX3). Also called: HYPEREKPLEXIA 3, AUTOSOMAL RECESSIVE; HYPEREKPLEXIA 3, AUTOSOMAL DOMINANT. Identifiers: Orphanet 3197, MedGen C3553288, MONDO:0013827, OMIM 614618.

Submission:

Labcorp Genetics (formerly Invitae), Labcorp
Classification: Uncertain significance for Hyperekplexia 3. Last evaluated: 2022-12-06. Review status: criteria provided, single submitter. Criteria: Invitae Variant Classification Sherloc (09022015). Collection method: clinical testing. Allele origin: germline.
Comment: In summary, the available evidence is currently insufficient to determine the role of this variant in disease. Therefore, it has been classified as a Variant of Uncertain Significance. Algorithms developed to predict the effect of sequence changes on RNA splicing suggest that this variant may disrupt the consensus splice site. Advanced modeling of protein sequence and biophysical properties (such as structural, functional, and spatial information, amino acid conservation, physicochemical variation, residue mobility, and thermodynamic stability) performed at Invitae indicates that this missense variant is not expected to disrupt SLC6A5 protein function. This variant has not been reported in the literature in individuals affected with SLC6A5-related conditions. This variant is not present in population databases (gnomAD no frequency). This sequence change replaces glutamic acid, which is acidic and polar, with lysine, which is basic and polar, at codon 387 of the SLC6A5 protein (p.Glu387Lys).

NM_004211.5(SLC6A5):c.1159G>A (p.Glu387Lys)

Gene: SLC6A5 (solute carrier family 6 member 5; plus strand). Cytogenetic location: 11p15.1.
Variant type: single nucleotide variant.
Coding change: c.1159G>A on transcript NM_004211.5 (MANE Select); coding-DNA position 1159, G replaced by A.
Protein change: p.Glu387Lys; replaces glutamic acid 387 with lysine.
Molecular consequence: missense variant.
Genome position (GRCh38, 1-based): chr11:20,617,783, G>A. VCF-style: chr11-20617783-G-A. GRCh37 (hg19) VCF-style: chr11-20639329-G-A.
Other names: c.457G>A, p.Glu153Lys (NM_001318369.2); short protein forms E387K, E153K.
Identifiers: ClinVar variation 2086522 (VCV002086522.4), dbSNP rs2494127308, ClinGen allele CA379916303.
Genomic context (GRCh38, chr11:20,617,783, plus strand): 5'-CTCCCCCCATCCCTCCCTCCAACTCTCAGGTACTTTGTGCTGAAGATTTCTGCAGGGATT[G>A]AATATCCTGGCGAGATCAGGTGGCCACTAGCTCTCTGCCTCTTCCTGGCTTGGGTCATTG-3'
Protein context (NP_004202.4, residues 377-397): YFVLKISAGI[Glu387Lys]YPGEIRWPLA